The following is an entry in ClinVar:

ClinVar aggregate classification (germline): Conflicting classifications of pathogenicity. Review status: criteria provided, conflicting classifications (1 of 4 stars). 6 submissions from 6 submitters: Uncertain significance (2); Benign (1); Likely benign (1). 2 of the submissions do not count toward it. Last evaluated 2026-04-14.

Conditions:
ALMS1-related disorder. Also called: ALMS1-related condition.
Cardiovascular phenotype. Identifiers: MedGen CN230736.
Alstrom syndrome (ALMS). Identifiers: Orphanet 64, MedGen C0268425, MONDO:0008763, OMIM 203800.

Allele frequency attached by ClinVar (database versions not stated): gnomAD 0.00001; TOPMed 0.00003; gnomAD exomes 0.00004 and 0.00008; ExAC 0.00005.

Submissions (6):

PreventionGenetics, part of Exact Sciences
Classification: Uncertain significance for ALMS1-related condition. Last evaluated: 2026-04-14. Review status: criteria provided, single submitter. Criteria: ACMG Guidelines, 2015. Collection method: clinical testing. Allele origin: germline.
Comment: The ALMS1 c.10321A>G variant is predicted to result in the amino acid substitution p.Lys3441Glu. To our knowledge, this variant has not been reported in the literature. This variant is reported in 0.00088% of alleles in individuals of European (Non-Finnish) descent in gnomAD. At this time, the clinical significance of this variant is uncertain due to the absence of conclusive functional and genetic evidence.

Ambry Genetics
Classification: Benign for Cardiovascular phenotype. Last evaluated: 2024-07-02. Review status: criteria provided, single submitter. Criteria: Ambry Variant Classification Scheme 2023. Collection method: clinical testing. Allele origin: germline.

Labcorp Genetics (formerly Invitae), Labcorp
Classification: Uncertain significance for Alstrom syndrome. Last evaluated: 2022-08-09. Review status: criteria provided, single submitter. Criteria: Invitae Variant Classification Sherloc (09022015). Collection method: clinical testing. Allele origin: germline.
Comment: This sequence change replaces arginine, which is basic and polar, with glycine, which is neutral and non-polar, at codon 3441 of the ALMS1 protein (p.Arg3441Gly). This variant is present in population databases (rs746702722, gnomAD 0.06%), including at least one homozygous and/or hemizygous individual. This variant has not been reported in the literature in individuals affected with ALMS1-related conditions. ClinVar contains an entry for this variant (Variation ID: 403921). In summary, the available evidence is currently insufficient to determine the role of this variant in disease. Therefore, it has been classified as a Variant of Uncertain Significance.

GeneDx
Classification: Likely benign. Last evaluated: 2018-11-28. Review status: criteria provided, single submitter. Criteria: GeneDx Variant Classification Process June 2021. Collection method: clinical testing. Allele origin: germline. Affected: yes.

Natera, Inc.
Classification: Benign for Alstrom syndrome. Last evaluated: 2020-11-10. Review status: no assertion criteria provided. Collection method: clinical testing. Allele origin: germline. Not counted in ClinVar's aggregate classification.

Counsyl
Classification: Uncertain significance for Alstrom syndrome. Last evaluated: 2017-01-17. Review status: no assertion criteria provided. Collection method: clinical testing. Allele origin: unknown. Not counted in ClinVar's aggregate classification.

NM_001378454.1(ALMS1):c.10318A>G (p.Arg3440Gly)

Gene: ALMS1 (ALMS1 centrosome and basal body associated protein; plus strand). Cytogenetic location: 2p13.1.
Variant type: single nucleotide variant.
Coding change: c.10318A>G on transcript NM_001378454.1 (MANE Select); coding-DNA position 10318, A replaced by G.
Protein change: p.Arg3440Gly; replaces arginine 3440 with glycine.
Molecular consequence: missense variant.
Genome position (GRCh38, 1-based): chr2:73,559,076, A>G. VCF-style: chr2-73559076-A-G. GRCh37 (hg19) VCF-style: chr2-73786203-A-G.
Other names: c.10321A>G, p.Arg3441Gly (NM_015120.4); short protein forms R3441G, R3440G.
Identifiers: ClinVar variation 403921 (VCV000403921.15), dbSNP rs746702722, ClinGen allele CA1714963.